The following is an entry in ClinVar:

ClinVar aggregate classification (germline): Benign/Likely benign. Review status: criteria provided, multiple submitters, no conflicts (2 of 4 stars). 5 submissions from 5 submitters: Benign (1); Likely benign (4). Last evaluated 2026-05-04.

Conditions:
LITAF-related disorder. Also called: LITAF-related condition.
Inborn genetic diseases. Identifiers: MedGen C0950123, MeSH D030342.
Charcot-Marie-Tooth disease type 1C. Also called: CHARCOT-MARIE-TOOTH DISEASE, DEMYELINATING, TYPE 1C; HMSN IC; CMT, SLOW NERVE CONDUCTION TYPE C; CHARCOT-MARIE-TOOTH NEUROPATHY, TYPE 1C; NEUROPATHY, HEREDITARY MOTOR AND SENSORY, TYPE IC; Charcot-Marie-Tooth disease, type IC. Identifiers: Orphanet 101083, MedGen C0270913, MONDO:0010995, OMIM 601098.

Allele frequency attached by ClinVar (database versions not stated): gnomAD exomes 0.00001 and 0.00008; ExAC 0.00012; 1000 Genomes Project 30x 0.00016; 1000 Genomes Project 0.00020; gnomAD 0.00023 and 0.00024; TOPMed 0.00025; ESP Exome Variant Server 0.00069.
gnomAD v4.1: 50 of 1,614,180 alleles (0.0031%); highest among the groups gnomAD compares: African/African-American, 0.063%; no homozygotes.

Submissions (5):

Women's Health and Genetics/Laboratory Corporation of America, LabCorp
Classification: Benign. Last evaluated: 2026-05-04. Review status: criteria provided, single submitter. Criteria: LabCorp Variant Classification Summary - May 2015. Collection method: clinical testing. Allele origin: germline.

Labcorp Genetics (formerly Invitae), Labcorp
Classification: Likely benign for Charcot-Marie-Tooth disease type 1C. Last evaluated: 2025-09-09. Review status: criteria provided, single submitter. Criteria: Invitae Variant Classification Sherloc (09022015). Collection method: clinical testing. Allele origin: germline.

PreventionGenetics, part of Exact Sciences
Classification: Likely benign for LITAF-related condition. Last evaluated: 2025-05-07. Review status: criteria provided, single submitter. Criteria: ACMG Guidelines, 2015. Collection method: clinical testing. Allele origin: germline.
Comment: This variant is classified as likely benign based on ACMG/AMP sequence variant interpretation guidelines (Richards et al. 2015 PMID: 25741868, with internal and published modifications).

Ambry Genetics
Classification: Likely benign for Inborn genetic diseases. Last evaluated: 2019-07-11. Review status: criteria provided, single submitter. Criteria: Ambry Variant Classification Scheme 2023. Collection method: clinical testing. Allele origin: germline.

Breakthrough Genomics
Classification: Likely benign. Review status: criteria provided, single submitter. Criteria: ACMG Guidelines, 2015. Collection method: not provided. Allele origin: germline. Inheritance: Autosomal dominant inheritance. Affected: yes.

NM_001136472.2(LITAF):c.108T>G (p.Pro36=)

Gene: LITAF (lipopolysaccharide induced TNF factor; minus strand). Cytogenetic location: 16p13.13.
Variant type: single nucleotide variant.
Coding change: c.108T>G on transcript NM_001136472.2 (MANE Select); coding-DNA position 108, T replaced by G.
Protein change: p.Pro36=; no amino-acid change (proline 36 retained).
Molecular consequence: synonymous variant. On other transcripts: non-coding transcript variant (1).
Genome position (GRCh38, 1-based): chr16:11,556,623, A>C on the plus strand (T>G on the coding strand, the complement: LITAF is on the minus strand). VCF-style: chr16-11556623-A-C. GRCh37 (hg19) VCF-style: chr16-11650479-A-C.
Other names: c.108T>G, p.Pro36= (NM_001136473.1, NM_004862.4).
Identifiers: ClinVar variation 464046 (VCV000464046.15), dbSNP rs140990446, ClinGen allele CA7904183.